The following is an entry in ClinVar:

NM_003070.5(SMARCA2):c.4247G>C (p.Gly1416Ala)

Gene: SMARCA2 (SWI/SNF related BAF chromatin remodeling complex subunit ATPase 2; plus strand). Cytogenetic location: 9p24.3.
Variant type: single nucleotide variant.
Coding change: c.4247G>C on transcript NM_003070.5 (MANE Select); coding-DNA position 4247, G replaced by C.
Protein change: p.Gly1416Ala; replaces glycine 1416 with alanine.
Molecular consequence: missense variant. On other transcripts: intron variant (5).
Genome position (GRCh38, 1-based): chr9:2,170,466, G>C. VCF-style: chr9-2170466-G-C. GRCh37 (hg19) VCF-style: chr9-2170466-G-C.
Other names: c.4247G>C, p.Gly1416Ala (NM_001289396.2); c.4199+8563G>C (NM_139045.4); c.4025+8563G>C (NM_001289397.2); c.227+8563G>C (NM_001289398.2); c.317+8563G>C (NM_001289400.2); c.311+8563G>C (NM_001289399.2); short protein forms G1416A.
Identifiers: ClinVar variation 914998 (VCV000914998.8), dbSNP rs3793510, ClinGen allele CA4964069.

ClinVar aggregate classification (germline): Benign/Likely benign. Review status: criteria provided, multiple submitters, no conflicts (2 of 4 stars). 2 submissions from 2 submitters: Benign (1); Likely benign (1). Last evaluated 2024-04-15.

Conditions:
Nicolaides-Baraitser syndrome (NCBRS). Also called: Intellectual disability-sparse hair-brachydactyly syndrome; SMARCA2-Related Nicolaides-Baraitser Syndrome. Identifiers: Orphanet 3051, MedGen C1303073, MONDO:0011053, OMIM 601358.

Allele frequency attached by ClinVar (database versions not stated): 1000 Genomes Project 30x 0.00078; 1000 Genomes Project 0.00100; TOPMed 0.00002; gnomAD 0.00009 and 0.00003; gnomAD exomes 0.00004; ExAC 0.00006.
gnomAD v4.1: 213 of 1,614,096 alleles (0.013%); highest among the groups gnomAD compares: East Asian, 0.47%; 1 homozygote.

Submissions (2):

Labcorp Genetics (formerly Invitae), Labcorp
Classification: Likely benign. Last evaluated: 2024-04-15. Review status: criteria provided, single submitter. Criteria: Invitae Variant Classification Sherloc (09022015). Collection method: clinical testing. Allele origin: germline.

Illumina Laboratory Services, Illumina
Classification: Benign for Nicolaides-Baraitser syndrome. Last evaluated: 2018-01-12. Review status: criteria provided, single submitter. Criteria: ICSL Variant Classification Criteria 13 December 2019. Collection method: clinical testing. Allele origin: germline.
Comment: This variant was observed in the ICSL laboratory as part of a predisposition screen in an ostensibly healthy population. It had not been previously curated by ICSL or reported in the Human Gene Mutation Database (HGMD: prior to June 1st, 2018), and was therefore a candidate for classification through an automated scoring system. Utilizing variant allele frequency, disease prevalence and penetrance estimates, and inheritance mode, an automated score was calculated to assess if this variant is too frequent to cause the disease. Based on the score and internal cut-off values, a variant classified as benign is not then subjected to further curation. The score for this variant resulted in a classification of benign for this disease.